The following is an entry in ClinVar:

ClinVar aggregate classification (germline): Uncertain significance (1 of 4 stars; one submission).

Conditions:
Menkes kinky-hair syndrome (MNK). Also called: Copper transport disease; Menkes Disease; Classic Menkes Disease. Identifiers: Orphanet 565, MedGen C0022716, MONDO:0010651, OMIM 309400.
X-linked distal spinal muscular atrophy type 3. Also called: ATP7A-Related Distal Motor Neuropathy; SPINAL MUSCULAR ATROPHY, DISTAL, X-LINKED RECESSIVE; NEURONOPATHY, DISTAL HEREDITARY MOTOR, X-LINKED; NEUROPATHY, DISTAL HEREDITARY MOTOR, X-LINKED. Identifiers: Orphanet 139557, MedGen C1845359, MONDO:0010338, OMIM 300489.
Cutis laxa, X-linked (OHS). Also called: EDS IX; Occipital horn syndrome. Identifiers: Orphanet 198, MedGen C0268353, MONDO:0010572, OMIM 304150.

gnomAD v4.1: 1 of 1,208,287 alleles (0.000083%); highest among the groups gnomAD compares: African/African-American, 0.0018%; no homozygotes.

Submission:

Labcorp Genetics (formerly Invitae), Labcorp
Classification: Uncertain significance for X-linked distal spinal muscular atrophy type 3; Cutis laxa, X-linked; Menkes kinky-hair syndrome. Last evaluated: 2024-05-02. Review status: criteria provided, single submitter. Criteria: Invitae Variant Classification Sherloc (09022015). Collection method: clinical testing. Allele origin: germline.
Comment: This sequence change replaces leucine, which is neutral and non-polar, with proline, which is neutral and non-polar, at codon 1130 of the ATP7A protein (p.Leu1130Pro). This variant is not present in population databases (gnomAD no frequency). This variant has not been reported in the literature in individuals affected with ATP7A-related conditions. Advanced modeling of protein sequence and biophysical properties (such as structural, functional, and spatial information, amino acid conservation, physicochemical variation, residue mobility, and thermodynamic stability) has been performed at Invitae for this missense variant, however the output from this modeling did not meet the statistical confidence thresholds required to predict the impact of this variant on ATP7A protein function. In summary, the available evidence is currently insufficient to determine the role of this variant in disease. Therefore, it has been classified as a Variant of Uncertain Significance.

NM_000052.7(ATP7A):c.3389T>C (p.Leu1130Pro)

Gene: ATP7A (ATPase copper transporting alpha; plus strand). Cytogenetic location: Xq21.1.
Variant type: single nucleotide variant.
Coding change: c.3389T>C on transcript NM_000052.7 (MANE Select); coding-DNA position 3389, T replaced by C.
Protein change: p.Leu1130Pro; replaces leucine 1130 with proline.
Molecular consequence: missense variant. On other transcripts: non-coding transcript variant (1).
Genome position (GRCh38, 1-based): chrX:78,033,699, T>C. VCF-style: chrX-78033699-T-C. GRCh37 (hg19) VCF-style: chrX-77289197-T-C.
Other names: c.3155T>C, p.Leu1052Pro (NM_001282224.2); short protein forms L1052P, L1130P.
Identifiers: ClinVar variation 3758397 (VCV003758397.2).